The following is an entry in ClinVar:

NM_000051.4(ATM):c.9140G>T (p.Arg3047Leu)

Genes: C11orf65 (chromosome 11 open reading frame 65; minus strand), ATM (ATM serine/threonine kinase; plus strand). Cytogenetic location: 11q22.3.
Variant type: single nucleotide variant.
Coding change: c.9140G>T on transcript NM_000051.4 (MANE Select); coding-DNA position 9140, G replaced by T.
Protein change: p.Arg3047Leu; replaces arginine 3047 with leucine.
Molecular consequence: missense variant. On other transcripts: intron variant (2).
Genome position (GRCh38, 1-based): chr11:108,365,477, G>T. VCF-style: chr11-108365477-G-T. GRCh37 (hg19) VCF-style: chr11-108236204-G-T.
Other names: c.9140G>T, p.Arg3047Leu (NM_001351834.2); c.640+20443C>A (NM_001330368.2); c.694+20443C>A (NM_001351110.2); short protein forms R3047L.
Identifiers: ClinVar variation 1765946 (VCV001765946.7), dbSNP rs1047129530, ClinGen allele CA382532109.
Genomic context (GRCh38, chr11:108,365,477, plus strand): 5'-GTGTTGGTGGACAAGTGAATTTGCTCATACAGCAGGCCATAGACCCCAAAAATCTCAGCC[G>T]ACTTTTCCCAGGATGGAAAGCTTGGGTGTGATCTTCAGTATATGAATTACCCTTTCATTC-3'
Protein context (NP_000042.3, residues 3037-3056): QQAIDPKNLS[Arg3047Leu]LFPGWKAWV

ClinVar aggregate classification (germline): Uncertain significance. Review status: criteria provided, multiple submitters, no conflicts (2 of 4 stars). 2 submissions from 2 submitters: Uncertain significance (2). Last evaluated 2025-08-07.

Conditions:
Hereditary cancer-predisposing syndrome. Also called: Hereditary neoplastic syndrome; Neoplastic Syndromes, Hereditary; Tumor predisposition; Hereditary Cancer Syndrome. Identifiers: Orphanet 140162, MedGen C0027672, MeSH D009386, MONDO:0015356.
Ataxia-telangiectasia syndrome (AT). Also called: Ataxia telangiectasia (A-T); LOUIS-BAR SYNDROME; Cerebello-oculocutaneous telangiectasia; Immunodeficiency with ataxia telangiectasia; Ataxia-telangiectasia, complementation group D; AT, COMPLEMENTATION GROUP C. Identifiers: Orphanet 100, MedGen C0004135, MONDO:0008840, OMIM 208900.

Submissions (2):

Labcorp Genetics (formerly Invitae), Labcorp
Classification: Uncertain significance for Ataxia-telangiectasia syndrome. Last evaluated: 2025-08-07. Review status: criteria provided, single submitter. Criteria: Invitae Variant Classification Sherloc (09022015). Collection method: clinical testing. Allele origin: germline.
Comment: This sequence change replaces arginine, which is basic and polar, with leucine, which is neutral and non-polar, at codon 3047 of the ATM protein (p.Arg3047Leu). This variant is not present in population databases (gnomAD no frequency). This variant has not been reported in the literature in individuals affected with ATM-related conditions. ClinVar contains an entry for this variant (Variation ID: 1765946). Invitae Evidence Modeling of protein sequence and biophysical properties (such as structural, functional, and spatial information, amino acid conservation, physicochemical variation, residue mobility, and thermodynamic stability) indicates that this missense variant is not expected to disrupt ATM protein function with a negative predictive value of 95%. In summary, the available evidence is currently insufficient to determine the role of this variant in disease. Therefore, it has been classified as a Variant of Uncertain Significance.

Ambry Genetics
Classification: Uncertain significance for Hereditary cancer-predisposing syndrome. Last evaluated: 2019-09-18. Review status: criteria provided, single submitter. Criteria: Ambry Variant Classification Scheme 2023. Collection method: clinical testing. Allele origin: germline.
Comment: The p.R3047L variant (also known as c.9140G>T), located in coding exon 62 of the ATM gene, results from a G to T substitution at nucleotide position 9140. The arginine at codon 3047 is replaced by leucine, an amino acid with dissimilar properties. This amino acid position is highly conserved in available vertebrate species. In addition, this alteration is predicted to be deleterious by in silico analysis. Since supporting evidence is limited at this time, the clinical significance of this alteration remains unclear.